The following is an entry in ClinVar:

ClinVar aggregate classification (germline): Benign/Likely benign. Review status: criteria provided, multiple submitters, no conflicts (2 of 4 stars). 13 submissions from 9 submitters: Benign (9); Likely benign (3). 1 of the submissions does not count toward it. Last evaluated 2026-09-01.

Conditions:
Developmental and epileptic encephalopathy 98. Identifiers: MedGen C5562017, MONDO:0030472, OMIM 619605.
Fetal akinesia, respiratory insufficiency, microcephaly, polymicrogyria, and dysmorphic facies. Identifiers: MedGen C5562015, MONDO:0859204, OMIM 619602.
Familial hemiplegic migraine. Identifiers: MedGen C0338484, MONDO:0000700.
Inborn genetic diseases. Identifiers: MedGen C0950123, MeSH D030342.
Migraine, familial hemiplegic, 2. Identifiers: Orphanet 569, MedGen C1865322, MONDO:0011232, OMIM 602481.
Alternating hemiplegia of childhood 1 (AHC1). Identifiers: Orphanet 2131, MedGen C3549447, MONDO:0007087, OMIM 104290.
ATP1A2-related disorder. Also called: ATP1A2-related condition; ATP1A2-RELATED DISORDERS.

Allele frequency attached by ClinVar (database versions not stated): gnomAD below 0.00001 and 0.00029; TOPMed 0.00005; gnomAD exomes 0.00098; ExAC 0.00119; 1000 Genomes Project 0.00120; 1000 Genomes Project 30x 0.00141.
gnomAD v4.1: 708 of 1,614,254 alleles (0.044%); highest among the groups gnomAD compares: South Asian, 0.74%; 11 homozygotes.

Submissions (13):

CeGaT Center for Human Genetics Tuebingen
Classification: Likely benign. Last evaluated: 2026-09-01. Review status: criteria provided, single submitter. Criteria: CeGaT Center For Human Genetics Tuebingen Variant Classification Criteria Version 2. Collection method: clinical testing. Allele origin: germline. Affected: yes. Observed: 1 variant allele.
Comment: ATP1A2: BP4, BP7

Labcorp Genetics (formerly Invitae), Labcorp
Classification: Benign for Familial hemiplegic migraine. Last evaluated: 2025-12-30. Review status: criteria provided, single submitter. Criteria: Invitae Variant Classification Sherloc (09022015). Collection method: clinical testing. Allele origin: germline.

Genome-Nilou Lab
Classification: Benign for Alternating hemiplegia of childhood 1. Last evaluated: 2021-12-05. Review status: criteria provided, single submitter. Criteria: ACMG Guidelines, 2015. Collection method: clinical testing. Allele origin: germline. Affected: no.

Genome-Nilou Lab
Classification: Benign for Developmental and epileptic encephalopathy 98. Last evaluated: 2021-12-05. Review status: criteria provided, single submitter. Criteria: ACMG Guidelines, 2015. Collection method: clinical testing. Allele origin: germline. Affected: no.

Genome-Nilou Lab
Classification: Benign for Fetal akinesia, respiratory insufficiency, microcephaly, polymicrogyria, and dysmorphic facies. Last evaluated: 2021-12-05. Review status: criteria provided, single submitter. Criteria: ACMG Guidelines, 2015. Collection method: clinical testing. Allele origin: germline. Affected: no.

Genome-Nilou Lab
Classification: Benign for Migraine, familial hemiplegic, 2. Last evaluated: 2021-12-05. Review status: criteria provided, single submitter. Criteria: ACMG Guidelines, 2015. Collection method: clinical testing. Allele origin: germline. Affected: no.

Athena Diagnostics
Classification: Benign. Last evaluated: 2021-03-16. Review status: criteria provided, single submitter. Criteria: Athena Diagnostics criteria. Collection method: clinical testing. Allele origin: unknown.

Illumina Laboratory Services, Illumina
Classification: Benign for Alternating hemiplegia of childhood 1. Last evaluated: 2018-01-13. Review status: criteria provided, single submitter. Criteria: ICSL Variant Classification Criteria 13 December 2019. Collection method: clinical testing. Allele origin: germline.
Comment: This variant was observed in the ICSL laboratory as part of a predisposition screen in an ostensibly healthy population. It had not been previously curated by ICSL or reported in the Human Gene Mutation Database (HGMD: prior to June 1st, 2018), and was therefore a candidate for classification through an automated scoring system. Utilizing variant allele frequency, disease prevalence and penetrance estimates, and inheritance mode, an automated score was calculated to assess if this variant is too frequent to cause the disease. Based on the score and internal cut-off values, a variant classified as benign is not then subjected to further curation. The score for this variant resulted in a classification of benign for this disease.

Illumina Laboratory Services, Illumina
Classification: Benign for Migraine, familial hemiplegic, 2. Last evaluated: 2018-01-13. Review status: criteria provided, single submitter. Criteria: ICSL Variant Classification Criteria 13 December 2019. Collection method: clinical testing. Allele origin: germline.
Comment: the same text as in the submission from Illumina Laboratory Services, Illumina above.

Ambry Genetics
Classification: Likely benign for Inborn genetic diseases. Last evaluated: 2017-09-28. Review status: criteria provided, single submitter. Criteria: Ambry Variant Classification Scheme 2023. Collection method: clinical testing. Allele origin: germline.

Eurofins Ntd Llc (ga)
Classification: Likely benign. Last evaluated: 2016-10-17. Review status: criteria provided, single submitter. Criteria: EGL Classification Definitions 2015. Collection method: clinical testing. Allele origin: germline. Observed: 1 variant allele, 1 heterozygote.

GeneDx
Classification: Benign. Last evaluated: 2014-10-23. Review status: criteria provided, single submitter. Criteria: GeneDx Variant Classification (06012015). Collection method: clinical testing. Allele origin: germline. Affected: yes.
Comment: This variant is considered likely benign or benign based on one or more of the following criteria: it is a conservative change, it occurs at a poorly conserved position in the protein, it is predicted to be benign by multiple in silico algorithms, and/or has population frequency not consistent with disease.

PreventionGenetics, part of Exact Sciences
Classification: Benign for ATP1A2-related condition. Last evaluated: 2019-06-13. Review status: no assertion criteria provided. Collection method: clinical testing. Allele origin: germline. Not counted in ClinVar's aggregate classification.
Comment: This variant is classified as benign based on ACMG/AMP sequence variant interpretation guidelines (Richards et al. 2015 PMID: 25741868, with internal and published modifications).

NM_000702.4(ATP1A2):c.246C>G (p.Pro82=)

Gene: ATP1A2 (ATPase Na+/K+ transporting subunit alpha 2; plus strand). Cytogenetic location: 1q23.2.
Variant type: single nucleotide variant.
Coding change: c.246C>G on transcript NM_000702.4 (MANE Select); coding-DNA position 246, C replaced by G.
Protein change: p.Pro82=; no amino-acid change (proline 82 retained).
Molecular consequence: synonymous variant.
Genome position (GRCh38, 1-based): chr1:160,123,281, C>G. VCF-style: chr1-160123281-C-G. GRCh37 (hg19) VCF-style: chr1-160093071-C-G.
Other names: p.P82P:CCC>CCG.
Identifiers: ClinVar variation 204883 (VCV000204883.26), dbSNP rs537472446, ClinGen allele CA313268.
Genomic context (GRCh38, chr1:160,123,281, plus strand): 5'-CAACCAGCGGGCTCAGGACGTTCTGGCTCGAGATGGGCCCAACGCCCTCACACCACCTCC[C>G]ACAACCCCTGAGTGGGTCAAGTTCTGCCGTCAGCTTTTCGGGGGGTTCTCCATCCTGCTG-3'
Protein context (NP_000693.1, residues 72-92): RDGPNALTPP[Pro82=]TTPEWVKFCR